The following is an entry in ClinVar:

ClinVar aggregate classification (germline): Uncertain significance (1 of 4 stars; one submission).

Conditions:
EPILEPSY, CHILDHOOD ABSENCE, SUSCEPTIBILITY TO, 2 (ECA2). Identifiers: Orphanet 64280, MedGen C1843244, OMIM 607681.
Febrile seizures, familial, 8 (FEB8). Also called: CONVULSIONS, FAMILIAL FEBRILE, 8. Identifiers: Orphanet 36387, MedGen C1969810, MONDO:0011891, OMIM 607681.

Submission:

Labcorp Genetics (formerly Invitae), Labcorp
Classification: Uncertain significance for Febrile seizures, familial, 8; EPILEPSY, CHILDHOOD ABSENCE, SUSCEPTIBILITY TO, 2. Last evaluated: 2025-01-19. Review status: criteria provided, single submitter. Criteria: Invitae Variant Classification Sherloc (09022015). Collection method: clinical testing. Allele origin: germline.
Comment: This sequence change falls in intron 5 of the GABRG2 gene. It does not directly change the encoded amino acid sequence of the GABRG2 protein. It affects a nucleotide within the consensus splice site. This variant is not present in population databases (gnomAD no frequency). This variant has not been reported in the literature in individuals affected with GABRG2-related conditions. ClinVar contains an entry for this variant (Variation ID: 963506). Variants that disrupt the consensus splice site are a relatively common cause of aberrant splicing (PMID: 17576681, 9536098). Algorithms developed to predict the effect of sequence changes on RNA splicing suggest that this variant is not likely to affect RNA splicing. In summary, the available evidence is currently insufficient to determine the role of this variant in disease. Therefore, it has been classified as a Variant of Uncertain Significance.

Literature cited by the submitters: PubMed 17576681; PubMed 9536098.

NM_198904.4(GABRG2):c.631+4A>C

Gene: GABRG2 (gamma-aminobutyric acid type A receptor subunit gamma2; plus strand). Cytogenetic location: 5q34.
Variant type: single nucleotide variant.
Coding change: c.631+4A>C on transcript NM_198904.4 (MANE Select); 4 bases into the intron after coding-DNA position 631, A replaced by C.
Molecular consequence: intron variant.
Genome position (GRCh38, 1-based): chr5:162,101,321, A>C. VCF-style: chr5-162101321-A-C. GRCh37 (hg19) VCF-style: chr5-161528327-A-C.
Other names: c.346+4A>C (NM_001375349.1); c.631+4A>C (NM_001375343.1, NM_001375344.1, NM_001375340.1 and 4 more transcripts); c.211+4A>C (NM_001375350.1, NM_001375348.1); c.622+4A>C (NM_001375339.1); c.565+4A>C (NM_001375346.1, NM_001375345.1); c.544+4A>C (NM_001375347.1).
Identifiers: ClinVar variation 963506 (VCV000963506.8), dbSNP rs1761398393, ClinGen allele CA1139659242.